The following is an entry in ClinVar:

ClinVar aggregate classification (germline): Likely benign. Review status: reviewed by expert panel (3 of 4 stars). 2 submissions from 2 submitters: Likely benign (1). 1 of the submissions does not count toward it. Last evaluated 2024-03-07.

Conditions:
Glanzmann thrombasthenia. Also called: BLEEDING DISORDER, PLATELET-TYPE, 2; THROMBASTHENIA OF GLANZMANN AND NAEGELI; Glanzmann's thrombasthenia; Thrombasthenia; PLATELET GLYCOPROTEIN IIb-IIIa DEFICIENCY. Identifiers: Orphanet 849, MedGen C0040015, MONDO:0100326.

Allele frequency attached by ClinVar (database versions not stated): gnomAD exomes below 0.00001 and 0.00001; ExAC 0.00002.
gnomAD v4.1: 3 of 1,614,068 alleles (0.00019%); highest among the groups gnomAD compares: Admixed American, 0.005%; no homozygotes.

Submissions (2):

ClinGen Platelet Disorders Variant Curation Expert Panel, ClinGen
Classification: Likely benign for Glanzmann thrombasthenia. Last evaluated: 2024-03-07. Review status: reviewed by expert panel. Criteria: ClinGen Platelet ACMG Specifications v2-1. Collection method: curation. Allele origin: germline. Inheritance: Autosomal recessive inheritance.
Comment: After a comprehensive literature search of the synonymous variant NM_000212.3(ITGB3):c.1089C>T (p.Ser363=), no individuals with Glanzmann thrombasthenia were reported with the variant. The variant has a low minor allele frequency of 0.00008673 (3/34592 alleles) in the Latino population in gnomAD, which is less than <0.0001 and thus meets PM2_supporting. In silico predictor spliceAI revealed that the synonymous mutation is not expected to impact splicing and a PhyloP score of -0.294 shows that the nucleotide position is not highly conserved (BP4, BP7). In summary, this variant meets the criteria to be classified as likely benign for autosomal recessive Glanzmann Thrombasthenia based on the ACMG/AMP criteria applied, as specified by the ClinGen PD VCEP: PM2_supprorting, BP4, and BP7 (PD VCEP specifications version 2.1).

Labcorp Genetics (formerly Invitae), Labcorp
Classification: Likely benign. Last evaluated: 2023-08-30. Review status: criteria provided, single submitter. Criteria: Invitae Variant Classification Sherloc (09022015). Collection method: clinical testing. Allele origin: germline. Not counted in ClinVar's aggregate classification.

NM_000212.3(ITGB3):c.1089C>T (p.Ser363=)

Gene: ITGB3 (integrin subunit beta 3; plus strand). Cytogenetic location: 17q21.32.
Variant type: single nucleotide variant.
Coding change: c.1089C>T on transcript NM_000212.3 (MANE Select); coding-DNA position 1089, C replaced by T.
Protein change: p.Ser363=; no amino-acid change (serine 363 retained).
Molecular consequence: synonymous variant.
Genome position (GRCh38, 1-based): chr17:47,290,238, C>T. VCF-style: chr17-47290238-C-T. GRCh37 (hg19) VCF-style: chr17-45367604-C-T.
Other names: NM_000212.3(ITGB3):c.1089C>T; p.Ser363=.
Identifiers: ClinVar variation 738411 (VCV000738411.9), dbSNP rs748864401, ClinGen allele CA8623144.